The following is an entry in ClinVar:

NM_001127453.2(GSDME):c.947C>T (p.Ala316Val)

Gene: GSDME (gasdermin E; minus strand). Cytogenetic location: 7p15.3.
Variant type: single nucleotide variant.
Coding change: c.947C>T on transcript NM_001127453.2 (MANE Select); coding-DNA position 947, C replaced by T.
Protein change: p.Ala316Val; replaces alanine 316 with valine.
Molecular consequence: missense variant.
Genome position (GRCh38, 1-based): chr7:24,708,170, G>A on the plus strand (C>T on the coding strand, the complement: GSDME is on the minus strand). VCF-style: chr7-24708170-G-A. GRCh37 (hg19) VCF-style: chr7-24747789-G-A.
Other names: c.947C>T, p.Ala316Val (NM_004403.3); c.455C>T, p.Ala152Val (NM_001127454.2); short protein forms A152V, A316V.
Identifiers: ClinVar variation 3856055 (VCV003856055.3).
Genomic context (GRCh38, chr7:24,708,170, plus strand): 5'-GATGTCTCAGGGCTCACCACTGGTTCCAGGACCATGAGTAGTTCATCATCAAATAGGACC[G>A]CCTGGAAGATGTCACTCAAAGCTGTCTGTTGTGGCTCAGGCAGCTCCGCAAATGGATGGA-3'
Protein context (NP_001120925.1, residues 306-326): QQTALSDIFQ[Ala316Val]VLFDDELLMV

ClinVar aggregate classification (germline): Uncertain significance. Review status: criteria provided, multiple submitters, no conflicts (2 of 4 stars). 3 submissions from 3 submitters: Uncertain significance (3). Last evaluated 2026-06-18.

Conditions:
Inborn genetic diseases. Identifiers: MedGen C0950123, MeSH D030342.

gnomAD v4.1: 76 of 1,613,970 alleles (0.0047%); highest among the groups gnomAD compares: Middle Eastern, 0.016%; no homozygotes.

Submissions (3):

Women's Health and Genetics/Laboratory Corporation of America, LabCorp
Classification: Uncertain significance. Last evaluated: 2026-06-18. Review status: criteria provided, single submitter. Criteria: LabCorp Variant Classification Summary - May 2015. Collection method: clinical testing. Allele origin: germline.
Comment: Variant summary: GSDME c.947C>T (p.Ala316Val) results in a non-conservative amino acid change in the encoded protein sequence. Algorithms developed to predict the effect of missense changes on protein structure and function are either unavailable or do not agree on the potential impact of this missense change. The variant was absent in 251400 control chromosomes. The available data on variant occurrences in the general population are insufficient to allow any conclusion about variant significance. To our knowledge, no occurrence of c.947C>T in individuals affected with GSDME-related conditions and no experimental evidence demonstrating its impact on protein function have been reported. ClinVar contains an entry for this variant (Variation ID: 3856055). Based on the evidence outlined above, the variant was classified as uncertain significance.

Labcorp Genetics (formerly Invitae), Labcorp
Classification: Uncertain significance. Last evaluated: 2025-03-05. Review status: criteria provided, single submitter. Criteria: Invitae Variant Classification Sherloc (09022015). Collection method: clinical testing. Allele origin: germline.
Comment: This sequence change replaces alanine, which is neutral and non-polar, with valine, which is neutral and non-polar, at codon 316 of the DFNA5 protein (p.Ala316Val). This variant is present in population databases (rs369233573, gnomAD 0.01%). This variant has not been reported in the literature in individuals affected with DFNA5-related conditions. Invitae Evidence Modeling of protein sequence and biophysical properties (such as structural, functional, and spatial information, amino acid conservation, physicochemical variation, residue mobility, and thermodynamic stability) indicates that this missense variant is not expected to disrupt DFNA5 protein function with a negative predictive value of 80%. In summary, the available evidence is currently insufficient to determine the role of this variant in disease. Therefore, it has been classified as a Variant of Uncertain Significance.

Ambry Genetics
Classification: Uncertain significance for Inborn genetic diseases. Last evaluated: 2025-01-27. Review status: criteria provided, single submitter. Criteria: Ambry Variant Classification Scheme 2023. Collection method: clinical testing. Allele origin: germline.